The following is an entry in ClinVar:

ClinVar aggregate classification (germline): Uncertain significance (1 of 4 stars; one submission).

Conditions:
Ateleiotic dwarfism (IGHD1A). Also called: PITUITARY DWARFISM I; SEXUAL ATELEIOTIC DWARFISM; IGHD IA; Isolated growth hormone deficiency type 1A; Growth hormone deficiency, isolated autosomal recessive; ILLIG type growth hormone deficiency. Identifiers: Orphanet 231662, Orphanet 631, MedGen C0342573, MONDO:0009876, OMIM 262400.

Submission:

Baylor Genetics
Classification: Uncertain significance for Ateleiotic dwarfism. Last evaluated: 2019-12-24. Review status: criteria provided, single submitter. Criteria: ACMG Guidelines, 2015. Collection method: clinical testing. Allele origin: unknown. Affected: yes.
Comment: This variant was determined to be of uncertain significance according to ACMG Guidelines, 2015 [PMID:25741868].

NM_000515.5(GH1):c.588G>A (p.Met196Ile)

Genes: GH1 (growth hormone 1; minus strand), GH-LCR (growth hormone locus control region; plus strand). Cytogenetic location: 17q23.3.
Variant type: single nucleotide variant.
Coding change: c.588G>A on transcript NM_000515.5 (MANE Select); coding-DNA position 588, G replaced by A.
Protein change: p.Met196Ile; replaces methionine 196 with isoleucine.
Molecular consequence: missense variant.
Genome position (GRCh38, 1-based): chr17:63,917,375, C>T on the plus strand (G>A on the coding strand, the complement: GH1 is on the minus strand). VCF-style: chr17-63917375-C-T. GRCh37 (hg19) VCF-style: chr17-61994735-C-T.
Other names: c.543G>A, p.Met181Ile (NM_022559.4); c.468G>A, p.Met156Ile (NM_022560.4); short protein forms M156I, M181I, M196I.
Identifiers: ClinVar variation 1030836 (VCV001030836.1), dbSNP rs1907385621, ClinGen allele CA400609885.